The following is an entry in ClinVar:

NM_006618.5(KDM5B):c.1550A>G (p.Lys517Arg)

Gene: KDM5B (lysine demethylase 5B; minus strand). Cytogenetic location: 1q32.1.
Variant type: single nucleotide variant.
Coding change: c.1550A>G on transcript NM_006618.5 (MANE Select); coding-DNA position 1550, A replaced by G.
Protein change: p.Lys517Arg; replaces lysine 517 with arginine.
Molecular consequence: missense variant.
Genome position (GRCh38, 1-based): chr1:202,753,056, T>C on the plus strand (A>G on the coding strand, the complement: KDM5B is on the minus strand). VCF-style: chr1-202753056-T-C. GRCh37 (hg19) VCF-style: chr1-202722184-T-C.
Other names: c.1658A>G, p.Lys553Arg (NM_001314042.2); c.1415A>G, p.Lys472Arg (NM_001347591.2); c.1535A>G, p.Lys512Arg (NM_001399817.1); short protein forms K472R, K517R, K553R, K512R.
Identifiers: ClinVar variation 1310159 (VCV001310159.4), dbSNP rs2102256812, ClinGen allele CA344269868.

ClinVar aggregate classification (germline): Uncertain significance (1 of 4 stars; one submission).

Submission:

GeneDx
Classification: Uncertain significance. Last evaluated: 2023-12-05. Review status: criteria provided, single submitter. Criteria: GeneDx Variant Classification Process June 2021. Collection method: clinical testing. Allele origin: germline. Affected: yes.
Comment: Not observed at significant frequency in large population cohorts (gnomAD); In silico analysis supports that this missense variant has a deleterious effect on protein structure/function; This variant is associated with the following publications: (PMID: 37086723)